The following is an entry in ClinVar:

ClinVar aggregate classification (germline): Uncertain significance. Review status: criteria provided, multiple submitters, no conflicts (2 of 4 stars). 2 submissions from 2 submitters: Uncertain significance (2). Last evaluated 2024-03-27.

Conditions:
Inborn genetic diseases. Identifiers: MedGen C0950123, MeSH D030342.

Allele frequency attached by ClinVar (database versions not stated): gnomAD exomes below 0.00001; TOPMed below 0.00001; gnomAD 0.00001.
gnomAD v4.1: 3 of 1,613,880 alleles (0.00019%); highest among the groups gnomAD compares: Non-Finnish European, 0.00025%; no homozygotes.

Submissions (2):

Ambry Genetics
Classification: Uncertain significance for Inborn genetic diseases. Last evaluated: 2024-03-27. Review status: criteria provided, single submitter. Criteria: Ambry Variant Classification Scheme 2023. Collection method: clinical testing. Allele origin: germline.

Labcorp Genetics (formerly Invitae), Labcorp
Classification: Uncertain significance. Last evaluated: 2022-12-02. Review status: criteria provided, single submitter. Criteria: Invitae Variant Classification Sherloc (09022015). Collection method: clinical testing. Allele origin: germline.
Comment: In summary, the available evidence is currently insufficient to determine the role of this variant in disease. Therefore, it has been classified as a Variant of Uncertain Significance. Algorithms developed to predict the effect of missense changes on protein structure and function are either unavailable or do not agree on the potential impact of this missense change (SIFT: "Deleterious"; PolyPhen-2: "Benign"; Align-GVGD: "Class C65"). This variant has not been reported in the literature in individuals affected with LAMB1-related conditions. This variant is present in population databases (no rsID available, gnomAD 0.007%). This sequence change replaces arginine, which is basic and polar, with threonine, which is neutral and polar, at codon 1653 of the LAMB1 protein (p.Arg1653Thr).

NM_002291.3(LAMB1):c.4958G>C (p.Arg1653Thr)

Gene: LAMB1 (laminin subunit beta 1; minus strand). Cytogenetic location: 7q31.1.
Variant type: single nucleotide variant.
Coding change: c.4958G>C on transcript NM_002291.3 (MANE Select); coding-DNA position 4958, G replaced by C.
Protein change: p.Arg1653Thr; replaces arginine 1653 with threonine.
Molecular consequence: missense variant.
Genome position (GRCh38, 1-based): chr7:107,926,289, C>G on the plus strand (G>C on the coding strand, the complement: LAMB1 is on the minus strand). VCF-style: chr7-107926289-C-G. GRCh37 (hg19) VCF-style: chr7-107566734-C-G.
Other names: c.4958G>C (NM_002291.2); short protein forms R1653T.
Identifiers: ClinVar variation 1969237 (VCV001969237.6), dbSNP rs1211457652, ClinGen allele CA368860993.
Genomic context (GRCh38, chr7:107,926,289, plus strand): 5'-TCAATATATTCTGCCTCCCCGGAGTTTTGGGCAGCTTTCCGCTTAAGTTCTTCCACATTC[C>G]TCTCTAACTCGCTGATGCGCTGGGACGCGTTGAACAAGGTTTCCTCAGAAGCTGCTGTTT-3'
Protein context (NP_002282.2, residues 1643-1663): NASQRISELE[Arg1653Thr]NVEELKRKAA